The following is an entry in ClinVar:

NM_032043.3(BRIP1):c.3363dup (p.Glu1122Ter)

Gene: BRIP1 (BRCA1 interacting DNA helicase 1; minus strand). Cytogenetic location: 17q23.2.
Variant type: Duplication.
Coding change: c.3363dup on transcript NM_032043.3 (MANE Select); coding-DNA position 3363, one base duplicated (T; older notation c.3363dupT).
Protein change: p.Glu1122Ter; replaces glutamic acid 1122 with a stop codon.
Molecular consequence: nonsense. On other transcripts: frameshift variant (1).
Genome position (GRCh38, 1-based): chr17:61,683,683, A duplicated on the plus strand (T on the coding strand, the reverse complement: BRIP1 is on the minus strand); the first of 4 consecutive A bases (chr17:61,683,683-61,683,686); duplicating any one gives the same sequence. VCF-style (leftmost placement, unchanged base first): chr17-61683682-C-CA. GRCh37 (hg19) VCF-style: chr17-59761043-C-CA.
Other names: c.3363dupT (NM_032043.2); short protein forms E1122*.
Identifiers: ClinVar variation 5033435 (VCV005033435.1).

ClinVar aggregate classification (germline): Uncertain significance (1 of 4 stars; one submission).

Conditions:
Hereditary cancer-predisposing syndrome. Also called: Neoplastic Syndromes, Hereditary; Tumor predisposition; Hereditary neoplastic syndrome; Hereditary Cancer Syndrome. Identifiers: Orphanet 140162, MedGen C0027672, MeSH D009386, MONDO:0015356.

Submission:

Ambry Genetics
Classification: Uncertain significance for Hereditary cancer-predisposing syndrome. Last evaluated: 2026-07-21. Review status: criteria provided, single submitter. Criteria: Ambry Variant Classification Scheme 2023. Collection method: clinical testing. Allele origin: germline.
Comment: The c.3363dupT variant, located in coding exon 19 of the BRIP1 gene, results from a duplication of T at nucleotide position 3363, causing a translational frameshift with a predicted alternate stop codon (p.E1122*). This variant occurs at the 3' terminus of the gene, is not expected to trigger nonsense-mediated mRNAdecay, and impacts the last 10% of the protein. The exact functional impact of these removed amino acids is unknown. While the C-terminal region of the BRIP1 protein has been shown by structural, biochemical, and mutational analysis to be relevant for some aspects of BRIP1 protein function (Gong Z et al. Mol. Cell, 2010 Feb;37:438-46; Leung CC et al. J. Biol. Chem. 2011 Feb; 286(6):4292-301; Xie J et al. PLoS Genet. 2012 Jul; 8(7):e1002786), functional studies have shown that truncations in the 3' terminus of BRIP1 display normal function in response to intra-strand cross-linking agents (Calvo JA et al. Mol Cancer Res, 2021 Jun;19:1015-1025). In addition, 3' truncations in BRIP1 occurring upstream of this variant have been detected in the homozygous or compound heterozygous state in individuals with no reported features of BRIP1-related Fanconi Anemia (FA-J) (Ambry internal data). Based on the available evidence, the clinical significance of this variant remains unclear.